The following is an entry in ClinVar:

ClinVar aggregate classification (germline): Uncertain significance (1 of 4 stars; one submission).

Conditions:
Developmental and epileptic encephalopathy, 12 (DEE12). Identifiers: MedGen C3150988, MONDO:0013389, OMIM 613722.

Allele frequency attached by ClinVar (database versions not stated): TOPMed below 0.00001; gnomAD 0.00001.
gnomAD v4.1: 2 of 1,592,552 alleles (0.00013%); highest among the groups gnomAD compares: African/African-American, 0.0027%; no homozygotes.

Submission:

Labcorp Genetics (formerly Invitae), Labcorp
Classification: Uncertain significance for Developmental and epileptic encephalopathy, 12. Last evaluated: 2023-10-03. Review status: criteria provided, single submitter. Criteria: Invitae Variant Classification Sherloc (09022015). Collection method: clinical testing. Allele origin: germline.
Comment: This sequence change replaces alanine, which is neutral and non-polar, with valine, which is neutral and non-polar, at codon 412 of the PNKP protein (p.Ala412Val). This variant is not present in population databases (gnomAD no frequency). This variant has not been reported in the literature in individuals affected with PNKP-related conditions. ClinVar contains an entry for this variant (Variation ID: 409612). Advanced modeling of protein sequence and biophysical properties (such as structural, functional, and spatial information, amino acid conservation, physicochemical variation, residue mobility, and thermodynamic stability) performed at Invitae indicates that this missense variant is not expected to disrupt PNKP protein function. In summary, the available evidence is currently insufficient to determine the role of this variant in disease. Therefore, it has been classified as a Variant of Uncertain Significance.

NM_007254.4(PNKP):c.1235C>T (p.Ala412Val)

Gene: PNKP (polynucleotide kinase 3'-phosphatase; minus strand). Cytogenetic location: 19q13.33.
Variant type: single nucleotide variant.
Coding change: c.1235C>T on transcript NM_007254.4 (MANE Select); coding-DNA position 1235, C replaced by T.
Protein change: p.Ala412Val; replaces alanine 412 with valine.
Molecular consequence: missense variant.
Genome position (GRCh38, 1-based): chr19:49,861,835, G>A on the plus strand (C>T on the coding strand, the complement: PNKP is on the minus strand). VCF-style: chr19-49861835-G-A. GRCh37 (hg19) VCF-style: chr19-50365092-G-A.
Other names: short protein forms A412V.
Identifiers: ClinVar variation 409612 (VCV000409612.9), dbSNP rs1060502500, ClinGen allele CA16616293.